The following is an entry in ClinVar:

NM_004204.5(PIGQ):c.223G>T (p.Glu75Ter)

Gene: PIGQ (phosphatidylinositol glycan anchor biosynthesis class Q; plus strand). Cytogenetic location: 16p13.3.
Variant type: single nucleotide variant.
Coding change: c.223G>T on transcript NM_004204.5 (MANE Select); coding-DNA position 223, G replaced by T.
Protein change: p.Glu75Ter; replaces glutamic acid 75 with a stop codon.
Molecular consequence: nonsense.
Genome position (GRCh38, 1-based): chr16:574,297, G>T. VCF-style: chr16-574297-G-T. GRCh37 (hg19) VCF-style: chr16-624297-G-T.
Other names: c.223G>T, p.Glu75Ter (NM_148920.4); short protein forms E75*.
Identifiers: ClinVar variation 2831080 (VCV002831080.3), dbSNP rs2505931024, ClinGen allele CA394046937.
Genomic context (GRCh38, chr16:574,297, plus strand): 5'-GCCAGCCAGGTGGGCGTGGCCGTGCTGGGCACCTGGTGCCACTGCCGGCAGGAGCCCGAG[G>T]AGAGCCTGGGCCGCTTCCTGGAGAGCCTGGGTGCTGTCTTCCCCCATGAGCCCTGGCTGC-3'

ClinVar aggregate classification (germline): Pathogenic (1 of 4 stars; one submission).

Conditions:
Epilepsy. Also called: Seizure disorder. Identifiers: MedGen C0014544, MeSH D004827, MONDO:0005027.

Submission:

Labcorp Genetics (formerly Invitae), Labcorp
Classification: Pathogenic for Epilepsy. Last evaluated: 2023-04-11. Review status: criteria provided, single submitter. Criteria: Invitae Variant Classification Sherloc (09022015). Collection method: clinical testing. Allele origin: germline.
Comment: For these reasons, this variant has been classified as Pathogenic. This variant has not been reported in the literature in individuals affected with PIGQ-related conditions. This variant is not present in population databases (gnomAD no frequency). This sequence change creates a premature translational stop signal (p.Glu75*) in the PIGQ gene. It is expected to result in an absent or disrupted protein product. Loss-of-function variants in PIGQ are known to be pathogenic (PMID: 24463883, 25558065).

Literature cited by the submitters: PubMed 24463883; PubMed 25558065.